The following is an entry in ClinVar:

ClinVar aggregate classification (germline): Uncertain significance. Review status: criteria provided, multiple submitters, no conflicts (2 of 4 stars). 6 submissions from 6 submitters: Uncertain significance (5). 1 of the submissions does not count toward it. Last evaluated 2025-04-10.

Conditions:
Inborn genetic diseases. Identifiers: MedGen C0950123, MeSH D030342.
Fanconi anemia (FA). Also called: Fanconi's anemia. Identifiers: Orphanet 84, MedGen C0015625, MeSH D005199, MONDO:0019391.
Fanconi anemia complementation group A (FANCA). Also called: Fanconi anemia, group A; FANCA-Related Fanconi Anemia. Identifiers: Orphanet 84, MedGen C3469521, MONDO:0009215, OMIM 227650.

Allele frequency attached by ClinVar (database versions not stated): gnomAD exomes below 0.00001; ExAC 0.00001; TOPMed 0.00003.
gnomAD v4.1: 3 of 1,614,060 alleles (0.00019%); highest among the groups gnomAD compares: African/African-American, 0.004%; no homozygotes.

Submissions (6):

Ambry Genetics
Classification: Uncertain significance for Inborn genetic diseases. Last evaluated: 2025-04-10. Review status: criteria provided, single submitter. Criteria: Ambry Variant Classification Scheme 2023. Collection method: clinical testing. Allele origin: germline.
Comment: The p.L470V variant (also known as c.1408C>G), located in coding exon 15 of the FANCA gene, results from a C to G substitution at nucleotide position 1408. The leucine at codon 470 is replaced by valine, an amino acid with highly similar properties. This amino acid position is conserved. In addition, the in silico prediction for this alteration is inconclusive. Based on the available evidence, the clinical significance of this variant remains unclear.

Fulgent Genetics
Classification: Uncertain significance for Fanconi anemia complementation group A. Last evaluated: 2024-02-19. Review status: criteria provided, single submitter. Criteria: ACMG Guidelines, 2015. Collection method: clinical testing. Allele origin: germline.

Labcorp Genetics (formerly Invitae), Labcorp
Classification: Uncertain significance for Fanconi anemia. Last evaluated: 2022-02-22. Review status: criteria provided, single submitter. Criteria: Invitae Variant Classification Sherloc (09022015). Collection method: clinical testing. Allele origin: germline.
Comment: This sequence change replaces leucine, which is neutral and non-polar, with valine, which is neutral and non-polar, at codon 470 of the FANCA protein (p.Leu470Val). This variant is present in population databases (rs752092543, gnomAD 0.007%). This variant has not been reported in the literature in individuals affected with FANCA-related conditions. ClinVar contains an entry for this variant (Variation ID: 885409). Algorithms developed to predict the effect of missense changes on protein structure and function output the following: SIFT: "Tolerated"; PolyPhen-2: "Benign"; Align-GVGD: "Class C0". The valine amino acid residue is found in multiple mammalian species, which suggests that this missense change does not adversely affect protein function. In summary, the available evidence is currently insufficient to determine the role of this variant in disease. Therefore, it has been classified as a Variant of Uncertain Significance.

Illumina Laboratory Services, Illumina
Classification: Uncertain significance for Fanconi anemia complementation group A. Last evaluated: 2018-01-13. Review status: criteria provided, single submitter. Criteria: ICSL Variant Classification Criteria 13 December 2019. Collection method: clinical testing. Allele origin: germline.

Breakthrough Genomics
Classification: Uncertain significance. Review status: criteria provided, single submitter. Criteria: ACMG Guidelines, 2015. Collection method: not provided. Allele origin: germline. Inheritance: Autosomal recessive inheritance. Affected: yes.

Natera, Inc.
Classification: Uncertain significance for Fanconi anemia. Last evaluated: 2020-09-23. Review status: no assertion criteria provided. Collection method: clinical testing. Allele origin: germline. Not counted in ClinVar's aggregate classification.

NM_000135.4(FANCA):c.1408C>G (p.Leu470Val)

Gene: FANCA (FA complementation group A; minus strand). Cytogenetic location: 16q24.3.
Variant type: single nucleotide variant.
Coding change: c.1408C>G on transcript NM_000135.4 (MANE Select); coding-DNA position 1408, C replaced by G.
Protein change: p.Leu470Val; replaces leucine 470 with valine.
Molecular consequence: missense variant.
Genome position (GRCh38, 1-based): chr16:89,784,916, G>C on the plus strand (C>G on the coding strand, the complement: FANCA is on the minus strand). VCF-style: chr16-89784916-G-C. GRCh37 (hg19) VCF-style: chr16-89851324-G-C.
Other names: c.1408C>G, p.Leu470Val (NM_001286167.3); short protein forms L470V.
Identifiers: ClinVar variation 885409 (VCV000885409.12), dbSNP rs752092543, ClinGen allele CA8252343.
Genomic context (GRCh38, chr16:89,784,916, plus strand): 5'-GCAGGTACCGGGGAGACTCAAAAGGCACGAGTTCTGACAAGAACGTAAACAGGAAGACCA[G>C]GGCCTTCTTGCTGCAGCCATGGTAGCCTCGTGTGCTCCCAAAGGAGGCCTGTGTGGAGAG-3'
Protein context (NP_000126.2, residues 460-480): RGYHGCSKKA[Leu470Val]VFLFTFLSEL